The following is an entry in ClinVar:

NM_001042492.3(NF1):c.5092_5095del (p.Thr1698fs)

Gene: NF1 (neurofibromin 1; plus strand). Cytogenetic location: 17q11.2.
Variant type: Deletion.
Coding change: c.5092_5095del on transcript NM_001042492.3 (MANE Select); coding-DNA positions 5092 to 5095, 4 bases deleted (ACTG; older notation c.5092_5095delACTG).
Protein change: p.Thr1698fs; shifts the reading frame from threonine 1698.
Molecular consequence: frameshift variant.
Genome position (GRCh38, 1-based): chr17:31,326,076-31,326,079, ACTG deleted; deleting any 4 consecutive bases within chr17:31,326,073-31,326,079 gives the same sequence; the c. name uses the placement nearest the transcript's 3' end. VCF-style (leftmost placement, unchanged base first): chr17-31326072-GCTGA-G. GRCh37 (hg19) VCF-style: chr17-29653090-GCTGA-G.
Other names: c.5029_5032delACTG, p.Thr1677Alafs (NM_000267.4); short protein forms T1677fs, T1698fs.
Identifiers: ClinVar variation 939018 (VCV000939018.6), dbSNP rs2069333368, ClinGen allele CA1139665384.

ClinVar aggregate classification (germline): Pathogenic (1 of 4 stars; one submission).

Conditions:
Neurofibromatosis, type 1 (NF1). Also called: Peripheral type neurofibromatosis; VON RECKLINGHAUSEN DISEASE; Neurofibromatosis, type I; NEUROFIBROMATOSIS, TYPE I, SOMATIC. Identifiers: Orphanet 636, MedGen C0027831, MONDO:0018975, OMIM 162200. Disease mechanism: loss of function.

Submission:

Labcorp Genetics (formerly Invitae), Labcorp
Classification: Pathogenic for Neurofibromatosis, type 1. Last evaluated: 2022-10-24. Review status: criteria provided, single submitter. Criteria: Invitae Variant Classification Sherloc (09022015). Collection method: clinical testing. Allele origin: germline.
Comment: This sequence change creates a premature translational stop signal (p.Thr1677Alafs*11) in the NF1 gene. It is expected to result in an absent or disrupted protein product. Loss-of-function variants in NF1 are known to be pathogenic (PMID: 10712197, 23913538). This variant is not present in population databases (gnomAD no frequency). This variant has not been reported in the literature in individuals affected with NF1-related conditions. ClinVar contains an entry for this variant (Variation ID: 939018). For these reasons, this variant has been classified as Pathogenic.

Literature cited by the submitters: PubMed 10712197; PubMed 23913538.